The following is an entry in ClinVar:

NM_019594.4(LRRC8A):c.40C>G (p.Gln14Glu)

Gene: LRRC8A (leucine rich repeat containing 8 VRAC subunit A; plus strand). Cytogenetic location: 9q34.11.
Variant type: single nucleotide variant.
Coding change: c.40C>G on transcript NM_019594.4 (MANE Select); coding-DNA position 40, C replaced by G.
Protein change: p.Gln14Glu; replaces glutamine 14 with glutamic acid.
Molecular consequence: missense variant.
Genome position (GRCh38, 1-based): chr9:128,907,204, C>G. VCF-style: chr9-128907204-C-G. GRCh37 (hg19) VCF-style: chr9-131669483-C-G.
Other names: c.40C>G, p.Gln14Glu (NM_001127244.2, NM_001127245.2); short protein forms Q14E.
Identifiers: ClinVar variation 3666623 (VCV003666623.2).

ClinVar aggregate classification (germline): Uncertain significance (1 of 4 stars; one submission).

Submission:

Labcorp Genetics (formerly Invitae), Labcorp
Classification: Uncertain significance. Last evaluated: 2024-03-20. Review status: criteria provided, single submitter. Criteria: Invitae Variant Classification Sherloc (09022015). Collection method: clinical testing. Allele origin: germline.
Comment: This sequence change replaces glutamine, which is neutral and polar, with glutamic acid, which is acidic and polar, at codon 14 of the LRRC8A protein (p.Gln14Glu). This variant is not present in population databases (gnomAD no frequency). This variant has not been reported in the literature in individuals affected with LRRC8A-related conditions. An algorithm developed to predict the effect of missense changes on protein structure and function (PolyPhen-2) suggests that this variant is likely to be disruptive. In summary, the available evidence is currently insufficient to determine the role of this variant in disease. Therefore, it has been classified as a Variant of Uncertain Significance.